The following is an entry in ClinVar:

NM_032043.3(BRIP1):c.2593C>T (p.Arg865Trp)

Gene: BRIP1 (BRCA1 interacting DNA helicase 1; minus strand). Cytogenetic location: 17q23.2.
Variant type: single nucleotide variant.
Coding change: c.2593C>T on transcript NM_032043.3 (MANE Select); coding-DNA position 2593, C replaced by T.
Protein change: p.Arg865Trp; replaces arginine 865 with tryptophan.
Molecular consequence: missense variant.
Genome position (GRCh38, 1-based): chr17:61,686,148, G>A on the plus strand (C>T on the coding strand, the complement: BRIP1 is on the minus strand). VCF-style: chr17-61686148-G-A. GRCh37 (hg19) VCF-style: chr17-59763509-G-A.
Other names: short protein forms R865W.
Identifiers: ClinVar variation 230320 (VCV000230320.45), dbSNP rs578022079, ClinGen allele CA8690473.
Genomic context (GRCh38, chr17:61,686,148, plus strand): 5'-AAAATTCAGCCAAGGATTCCAGTGCACTTTCAAAGGTTGAATGGTGCTGAATCTGCTGCC[G>A]TACCCATTTAGAAAGTCCTAAAGAAAAAGGTAAACCCAGGGAAAATTTGGTTACTTAGTT-3'
Protein context (NP_114432.2, residues 855-875): RYISGLSKWV[Arg865Trp]QQIQHHSTFE

ClinVar aggregate classification (germline): Uncertain significance. Review status: criteria provided, multiple submitters, no conflicts (2 of 4 stars). 17 submissions from 17 submitters: Uncertain significance (15). 2 of the submissions do not count toward it. Last evaluated 2025-12-15.

Conditions:
Fanconi anemia complementation group J. Also called: BRIP1-Related Fanconi Anemia. Identifiers: Orphanet 84, MedGen C1836860, MONDO:0012187, OMIM 609054.
Ovarian cancer. Also called: OVARIAN CANCER, SOMATIC. Identifiers: Orphanet 213500, MedGen C1140680, MONDO:0008170, OMIM 167000.
BRIP1-related disorder. Also called: BRIP1-related condition; BRIP1-related disorders. Identifiers: MedGen CN239206.
Familial ovarian cancer. Identifiers: MedGen C5679802, MONDO:0016248.
Familial cancer of breast. Also called: Hereditary breast cancer; hereditary breast carcinoma; BREAST CANCER, FAMILIAL. Identifiers: Orphanet 227535, MedGen C0346153, MONDO:0016419, OMIM 114480. Disease mechanism: loss of function.
Hereditary cancer-predisposing syndrome. Also called: Hereditary Cancer Syndrome; Neoplastic Syndromes, Hereditary; Tumor predisposition; Hereditary neoplastic syndrome. Identifiers: Orphanet 140162, MedGen C0027672, MeSH D009386, MONDO:0015356.
Hereditary breast ovarian cancer syndrome. Also called: Hereditary breast and/or ovarian cancer syndrome; BRCA1- and BRCA2-Associated Hereditary Breast and Ovarian Cancer; Hereditary breast and ovarian cancer syndrome (HBOC); Hereditary breast and ovarian cancer; Hereditary breast and ovarian cancer syndrome; Breast and ovarian cancer. Identifiers: Orphanet 145, MedGen C0677776, MeSH D061325, MONDO:0003582. Disease mechanism: loss of function.

Allele frequency attached by ClinVar (database versions not stated): ExAC 0.00001; gnomAD exomes 0.00002; TOPMed 0.00003; gnomAD 0.00004; 1000 Genomes Project 30x 0.00016; 1000 Genomes Project 0.00020.
gnomAD v4.1: 43 of 1,613,968 alleles (0.0027%); highest among the groups gnomAD compares: South Asian, 0.0033%; no homozygotes.

Submissions 1 to 8 of 17:

Labcorp Genetics (formerly Invitae), Labcorp
Classification: Uncertain significance for Familial cancer of breast; Fanconi anemia complementation group J. Last evaluated: 2025-12-15. Review status: criteria provided, single submitter. Criteria: Invitae Variant Classification Sherloc (09022015). Collection method: clinical testing. Allele origin: germline.
Comment: This sequence change replaces arginine, which is basic and polar, with tryptophan, which is neutral and slightly polar, at codon 865 of the BRIP1 protein (p.Arg865Trp). This variant is present in population databases (rs578022079, gnomAD 0.005%). This missense change has been observed in individual(s) with breast or ovarian cancer (PMID: 29368626, 31822495, 35534704). ClinVar contains an entry for this variant (Variation ID: 230320). Invitae Evidence Modeling of protein sequence and biophysical properties (such as structural, functional, and spatial information, amino acid conservation, physicochemical variation, residue mobility, and thermodynamic stability) has been performed for this missense variant. However, the output from this modeling did not meet the statistical confidence thresholds required to predict the impact of this variant on BRIP1 protein function. Experimental studies have shown that this missense change affects BRIP1 function (PMID: 31822495). In summary, the available evidence is currently insufficient to determine the role of this variant in disease. Therefore, it has been classified as a Variant of Uncertain Significance.

Center for Genomic Medicine, Rigshospitalet, Copenhagen University Hospital
Classification: Uncertain significance. Last evaluated: 2025-03-04. Review status: criteria provided, single submitter. Criteria: ACMG Guidelines, 2015. Collection method: clinical testing. Allele origin: germline.

Color Diagnostics, LLC DBA Color Health
Classification: Uncertain significance for Hereditary cancer-predisposing syndrome. Last evaluated: 2025-02-25. Review status: criteria provided, single submitter. Criteria: ACMG Guidelines, 2015. Collection method: clinical testing. Allele origin: germline.
Comment: This missense variant replaces arginine with tryptophan at codon 865 of the BRIP1 protein. Computational prediction suggests that this variant may have deleterious impact on protein structure and function. A functional study has reported the mutant protein to be defective for repair of interstrand crosslink damage in a BRIP1-/- HeLa cell growth rescue assay (PMID: 31822495). This variant has been reported in individuals with breast cancer (PMID: 29368626, 35264596, 35534704) and in an individual with melanoma (PMID: 30414346), as well as in a few individuals unaffected with cancer (PMID: 29368626, 29641532). In one study, this variant was observed in 6/101,759 individuals with breast cancer, in 2/15,587 individuals with ovarian cancer, and in 2/9,884 FLOSSIES individuals (women over age 70 lacking personal history of cancer; PMID: 31822495). In an international breast cancer case-control meta-analysis, this variant was detected in 5/60466 cases and 2/53461 unaffected controls (PMID: 33471991). This variant has been identified in 8/281722 chromosomes in the general population by the Genome Aggregation Database (gnomAD). The available evidence is insufficient to determine the role of this variant in disease conclusively. Therefore, this variant is classified as a Variant of Uncertain Significance.

German Consortium for Hereditary Breast and Ovarian Cancer, University Hospital Cologne
Classification: Uncertain significance for Hereditary breast ovarian cancer syndrome. Last evaluated: 2025-02-18. Review status: criteria provided, single submitter. Criteria: ACMG Guidelines, 2015. Collection method: curation. Allele origin: germline.
Comment: According to the ACMG SVI adaptation criteria we chose these criteria: PS3 (supporting pathogenic): Moyer, 2020 (PMID: 31822495): Classified as null allele; impaired protein's ability to repair inter-strand cross link damage in transfected cells (CRISPR-Cas9 gene editing to create isogenic HeLa cell lines lacking BRIP1 protein and/or expressing candidate missense) , PP3 (medium pathogenic): REVEL = 0.804 (thus [0.773, 0.932) as per Pejaver (2022, PMID: 36413997))

Ambry Genetics
Classification: Uncertain significance for Hereditary cancer-predisposing syndrome. Last evaluated: 2025-01-02. Review status: criteria provided, single submitter. Criteria: Ambry Variant Classification Scheme 2023. Collection method: clinical testing. Allele origin: germline.
Comment: The p.R865W variant (also known as c.2593C>T), located in coding exon 18 of the BRIP1 gene, results from a C to T substitution at nucleotide position 2593. The arginine at codon 865 is replaced by tryptophan, an amino acid with dissimilar properties. In one study, the p.R865W alteration was detected in 6/101,759 breast cancer cases and 2/15,587 ovarian cancer cases (Moyer CL et al. Cancer Res. 2020 Feb;80:857-867), and was reported in 5/60,466 breast cancer cases and in 2/53,461 controls in another study (Dorling et al. N Engl J Med 2021 02;384:428-439). This alteration was detected in a cohort of 1663 Brazilian breast cancer patients who underwent hereditary multigene panel testing (Guindalini RSC et al. Sci Rep, 2022 Mar;12:4190). In an inter-strand cross link damage survival assay, the p.R865W alteration was found to be functionally abnormal (Moyer CL et al. Cancer Res. 2020 Feb;80:857-867). This amino acid position is highly conserved in available vertebrate species. In addition, this alteration is predicted to be deleterious by in silico analysis. Since supporting evidence is limited at this time, the clinical significance of this alteration remains unclear.

Quest Diagnostics Nichols Institute San Juan Capistrano
Classification: Uncertain significance. Last evaluated: 2024-10-02. Review status: criteria provided, single submitter. Criteria: Quest Diagnostics criteria. Collection method: clinical testing. Allele origin: unknown.
Comment: The BRIP1 c.2593C>T (p.Arg865Trp) variant has been reported in individuals with breast/ovarian cancer (PMIDs: 29368626 (2018), 29641532 (2018), 31822495 (2019), 33471991 (2021), 35534704 (2022), 35264596 (2022), see also LOVD) and melanoma (PMID: 30414346 (2019)). In addition, this variant has been identified in reportedly healthy individuals (PMID: 3471991 (2021), see also LOVD). A functional study indicated this variant causes reduced protein stability and impaired DNA interstrand cross-link repair in a cell survival assay (PMID: 31822495 (2019)). The frequency of this variant in the general population, 0.000047 (6/128716 chromosomes (Genome Aggregation Database)), is uninformative in the assessment of its pathogenicity. Analysis of this variant using bioinformatics tools for the prediction of the effect of amino acid changes on protein structure and function yielded predictions that this variant is damaging. Based on the available information, we are unable to determine the clinical significance of this variant.

Molecular Pathology, Peter Maccallum Cancer Centre
Classification: Uncertain significance for Familial ovarian cancer. Last evaluated: 2024-06-11. Review status: criteria provided, single submitter. Criteria: ACMG Guidelines, 2015. Collection method: clinical testing. Allele origin: germline. Inheritance: Autosomal dominant inheritance.

St. Jude Molecular Pathology, St. Jude Children's Research Hospital
Classification: Uncertain significance for Fanconi anemia complementation group J. Last evaluated: 2024-05-27. Review status: criteria provided, single submitter. Criteria: St. Jude Assertion Criteria 2020. Collection method: clinical testing. Allele origin: germline.